The following is an entry in ClinVar:

ClinVar aggregate classification (germline): Uncertain significance. Review status: criteria provided, multiple submitters, no conflicts (2 of 4 stars). 2 submissions from 2 submitters: Uncertain significance (2). Last evaluated 2022-07-03.

Allele frequency attached by ClinVar (database versions not stated): gnomAD exomes 0.00001; ExAC 0.00001.
gnomAD v4.1: 4 of 1,614,110 alleles (0.00025%); highest among the groups gnomAD compares: Admixed American, 0.0017%; no homozygotes.

Submissions (2):

Labcorp Genetics (formerly Invitae), Labcorp
Classification: Uncertain significance. Last evaluated: 2022-07-03. Review status: criteria provided, single submitter. Criteria: Invitae Variant Classification Sherloc (09022015). Collection method: clinical testing. Allele origin: germline.
Comment: This variant has not been reported in the literature in individuals affected with ARFGEF2-related conditions. Algorithms developed to predict the effect of missense changes on protein structure and function output the following: SIFT: "Tolerated"; PolyPhen-2: "Benign"; Align-GVGD: "Class C0". The glycine amino acid residue is found in multiple mammalian species, which suggests that this missense change does not adversely affect protein function. ClinVar contains an entry for this variant (Variation ID: 434289). This variant is present in population databases (rs775564236, gnomAD 0.003%). This sequence change replaces aspartic acid, which is acidic and polar, with glycine, which is neutral and non-polar, at codon 1468 of the ARFGEF2 protein (p.Asp1468Gly). In summary, the available evidence is currently insufficient to determine the role of this variant in disease. Therefore, it has been classified as a Variant of Uncertain Significance.

Genetic Services Laboratory, University of Chicago
Classification: Uncertain significance. Last evaluated: 2016-03-17. Review status: criteria provided, single submitter. Criteria: ACMG Guidelines, 2015. Collection method: clinical testing. Allele origin: germline. Affected: no.

NM_006420.3(ARFGEF2):c.4403A>G (p.Asp1468Gly)

Gene: ARFGEF2 (ARF guanine nucleotide exchange factor 2; plus strand). Cytogenetic location: 20q13.13.
Variant type: single nucleotide variant.
Coding change: c.4403A>G on transcript NM_006420.3 (MANE Select); coding-DNA position 4403, A replaced by G.
Protein change: p.Asp1468Gly; replaces aspartic acid 1468 with glycine.
Molecular consequence: missense variant.
Genome position (GRCh38, 1-based): chr20:49,017,336, A>G. VCF-style: chr20-49017336-A-G. GRCh37 (hg19) VCF-style: chr20-47633873-A-G.
Other names: short protein forms D1468G.
Identifiers: ClinVar variation 434289 (VCV000434289.10), dbSNP rs775564236, ClinGen allele CA9899200.
Genomic context (GRCh38, chr20:49,017,336, plus strand): 5'-CAAATTGCTTAGAAAACTTAGTAATATCCAATGGAGAGAAATTCAGTCCTGAAGTCTGGG[A>G]TGAAACCTGCAACTGTATGTTGGATATTTTCAAAACAACCATCCCACATGTGTAAGTGTT-3'
Protein context (NP_006411.2, residues 1458-1478): NGEKFSPEVW[Asp1468Gly]ETCNCMLDIF